The following is an entry in ClinVar:

NM_178857.6(RP1L1):c.5223C>T (p.Asp1741=)

Gene: RP1L1 (RP1 like 1). Cytogenetic location: 8p23.1.
Variant type: single nucleotide variant.
Coding change: c.5223C>T on transcript NM_178857.6 (MANE Select); coding-DNA position 5223, C replaced by T.
Protein change: p.Asp1741=; no amino-acid change (aspartic acid 1741 retained).
Molecular consequence: synonymous variant.
Genome position (GRCh38, 1-based): chr8:10,608,875, G>A on the plus strand (C>T on the coding strand, the complement: RP1L1 is on the minus strand). VCF-style: chr8-10608875-G-A. GRCh37 (hg19) VCF-style: chr8-10466385-G-A.
Other names: c.5223C>T (NM_178857.5).
Identifiers: ClinVar variation 810250 (VCV000810250.43), dbSNP rs372016680, ClinGen allele CA4623727.
Genomic context (GRCh38, chr8:10,608,875, plus strand): 5'-CCCGAGTTTGGGATCTTTGTCTCTGTTGAGTCTCTGGCTCCCCTCGCCATCCTCACCCTC[G>A]TCCACTCCAGGCCCCTGGCTCAGCCCCGGCCCCAGCCCTCCCTCAGCTCCCTGGACAGTC-3'
Protein context (NP_849188.4, residues 1731-1751): GPGLSQGPGV[Asp1741=]EGEDGEGSQR

ClinVar aggregate classification (germline): Conflicting classifications of pathogenicity. Review status: criteria provided, conflicting classifications (1 of 4 stars). 2 submissions from 2 submitters: Uncertain significance (1); Likely benign (1). Last evaluated 2025-04-03.

Conditions:
RP1L1-related disorder. Also called: RP1L1-related condition.

Allele frequency attached by ClinVar (database versions not stated): ExAC 0.00002; gnomAD 0.00002; TOPMed 0.00002; ESP Exome Variant Server 0.00016.
gnomAD v4.1: 20 of 1,613,588 alleles (0.0012%); highest among the groups gnomAD compares: African/African-American, 0.0027%; no homozygotes.

Submissions (2):

PreventionGenetics, part of Exact Sciences
Classification: Likely benign for RP1L1-related condition. Last evaluated: 2025-04-03. Review status: criteria provided, single submitter. Criteria: ACMG Guidelines, 2015. Collection method: clinical testing. Allele origin: germline.
Comment: This variant is classified as likely benign based on ACMG/AMP sequence variant interpretation guidelines (Richards et al. 2015 PMID: 25741868, with internal and published modifications).

CeGaT Center for Human Genetics Tuebingen
Classification: Uncertain significance. Last evaluated: 2016-05-01. Review status: criteria provided, single submitter. Criteria: CeGaT Center For Human Genetics Tuebingen Variant Classification Criteria Version 2. Collection method: clinical testing. Allele origin: germline. Affected: yes. Observed: 1 variant allele.